The following is an entry in ClinVar:

ClinVar aggregate classification (germline): Uncertain significance. Review status: criteria provided, multiple submitters, no conflicts (2 of 4 stars). 2 submissions from 2 submitters: Uncertain significance (2). Last evaluated 2021-09-17.

Conditions:
Severe X-linked myotubular myopathy (CNMX). Also called: Myotubular myopathy, X-linked; MYOTUBULAR MYOPATHY 1; X-linked centronuclear myopathy. Identifiers: Orphanet 596, MedGen C0410203, MONDO:0010683, OMIM 310400.

Allele frequency attached by ClinVar (database versions not stated): gnomAD 0.00001; gnomAD exomes 0.00002; TOPMed 0.00002.

Submissions (2):

Labcorp Genetics (formerly Invitae), Labcorp
Classification: Uncertain significance for Severe X-linked myotubular myopathy. Last evaluated: 2021-09-17. Review status: criteria provided, single submitter. Criteria: Invitae Variant Classification Sherloc (09022015). Collection method: clinical testing. Allele origin: germline.
Comment: This sequence change replaces threonine with isoleucine at codon 267 of the MTM1 protein (p.Thr267Ile). The threonine residue is weakly conserved and there is a moderate physicochemical difference between threonine and isoleucine. This variant is not present in population databases (ExAC no frequency). This variant has not been reported in the literature in individuals with MTM1-related conditions. Algorithms developed to predict the effect of missense changes on protein structure and function are either unavailable or do not agree on the potential impact of this missense change (SIFT: "Tolerated"; PolyPhen-2: "Possibly Damaging"; Align-GVGD: "Class C0"). In summary, the available evidence is currently insufficient to determine the role of this variant in disease. Therefore, it has been classified as a Variant of Uncertain Significance.

Revvity Omics, Revvity
Classification: Uncertain significance. Last evaluated: 2019-08-16. Review status: criteria provided, single submitter. Criteria: ACMG Guidelines, 2015. Collection method: clinical testing. Allele origin: germline.

NM_000252.3(MTM1):c.800C>T (p.Thr267Ile)

Gene: MTM1 (myotubularin 1; plus strand). Cytogenetic location: Xq28.
Variant type: single nucleotide variant.
Coding change: c.800C>T on transcript NM_000252.3 (MANE Select); coding-DNA position 800, C replaced by T.
Protein change: p.Thr267Ile; replaces threonine 267 with isoleucine.
Molecular consequence: missense variant.
Genome position (GRCh38, 1-based): chrX:150,645,804, C>T. VCF-style: chrX-150645804-C-T. GRCh37 (hg19) VCF-style: chrX-149814277-C-T.
Other names: c.800C>T, p.Thr267Ile (NM_001376906.1, NM_001376908.1); c.689C>T, p.Thr230Ile (NM_001376907.1); short protein forms T230I, T267I.
Identifiers: ClinVar variation 2140511 (VCV002140511.3), dbSNP rs1264102271, ClinGen allele CA415256552.
Genomic context (GRCh38, chrX:150,645,804, plus strand): 5'-TCGGTATGAGTGGGAAACGAAATAAAGATGATGAGAAATATCTCGATGTTATCAGGGAGA[C>T]TAATAAACAAATTTCTAAACTCACCATTTATGATGCAAGACCCAGCGTAAATGCAGTGGC-3'
Protein context (NP_000243.1, residues 257-277): DEKYLDVIRE[Thr267Ile]NKQISKLTIY